The following is an entry in ClinVar:

NM_201596.3(CACNB2):c.1702G>T (p.Val568Leu)

Gene: CACNB2 (calcium voltage-gated channel auxiliary subunit beta 2; plus strand). Cytogenetic location: 10p12.31.
Variant type: single nucleotide variant.
Coding change: c.1702G>T on transcript NM_201596.3 (MANE Select); coding-DNA position 1702, G replaced by T.
Protein change: p.Val568Leu; replaces valine 568 with leucine.
Molecular consequence: missense variant.
Genome position (GRCh38, 1-based): chr10:18,539,443, G>T. VCF-style: chr10-18539443-G-T. GRCh37 (hg19) VCF-style: chr10-18828372-G-T.
Other names: c.1537G>T, p.Val513Leu (NM_000724.4); c.1504G>T, p.Val502Leu (NM_001167945.2); c.1423G>T, p.Val475Leu (NM_001330060.2); c.1558G>T, p.Val520Leu (NM_201570.3); c.1618G>T, p.Val540Leu (NM_201571.4); c.1546G>T, p.Val516Leu (NM_201572.4); c.1540G>T, p.Val514Leu (NM_201590.3); c.1588G>T, p.Val530Leu (NM_201593.3); and 1 more; short protein forms V513L, V540L, V502L, V516L, V568L, V514L, V530L, V475L.
Identifiers: ClinVar variation 967076 (VCV000967076.11), dbSNP rs142639223, ClinGen allele CA5430136.
Genomic context (GRCh38, chr10:18,539,443, plus strand): 5'-GGCCTCTCCAGGCAAGAGACATTTGACTCGGAAACCCAGGAGAGTCGAGACTCTGCCTAC[G>T]TAGAGCCAAAGGAAGATTATTCCCATGACCACGTGGACCACTATGCCTCACACCGTGACC-3'
Protein context (NP_963890.2, residues 558-578): ETQESRDSAY[Val568Leu]EPKEDYSHDH

ClinVar aggregate classification (germline): Uncertain significance. Review status: criteria provided, multiple submitters, no conflicts (2 of 4 stars). 2 submissions from 2 submitters: Uncertain significance (2). Last evaluated 2025-09-07.

Conditions:
Cardiovascular phenotype. Identifiers: MedGen CN230736.
Brugada syndrome 4 (BRGDA4). Identifiers: Orphanet 130, MedGen C2678477, MONDO:0012743, OMIM 611876.

gnomAD v4.1: 15 of 1,613,860 alleles (0.00093%); highest among the groups gnomAD compares: African/African-American, 0.012%; no homozygotes.

Submissions (2):

Ambry Genetics
Classification: Uncertain significance for Cardiovascular phenotype. Last evaluated: 2025-09-07. Review status: criteria provided, single submitter. Criteria: Ambry Variant Classification Scheme 2023. Collection method: clinical testing. Allele origin: germline.
Comment: The p.V514L variant (also known as c.1540G>T), located in coding exon 13 of the CACNB2 gene, results from a G to T substitution at nucleotide position 1540. The valine at codon 514 is replaced by leucine, an amino acid with highly similar properties. This amino acid position is not well conserved in available vertebrate species, and leucine is the reference amino acid in other vertebrate species. In addition, this alteration is predicted to be tolerated by in silico analysis. Since supporting evidence is limited at this time, the clinical significance of this alteration remains unclear.

Labcorp Genetics (formerly Invitae), Labcorp
Classification: Uncertain significance for Brugada syndrome 4. Last evaluated: 2024-11-28. Review status: criteria provided, single submitter. Criteria: Invitae Variant Classification Sherloc (09022015). Collection method: clinical testing. Allele origin: germline.
Comment: This sequence change replaces valine, which is neutral and non-polar, with leucine, which is neutral and non-polar, at codon 514 of the CACNB2 protein (p.Val514Leu). This variant is present in population databases (rs142639223, gnomAD 0.01%). This variant has not been reported in the literature in individuals affected with CACNB2-related conditions. ClinVar contains an entry for this variant (Variation ID: 967076). Invitae Evidence Modeling of protein sequence and biophysical properties (such as structural, functional, and spatial information, amino acid conservation, physicochemical variation, residue mobility, and thermodynamic stability) indicates that this missense variant is not expected to disrupt CACNB2 protein function with a negative predictive value of 80%. In summary, the available evidence is currently insufficient to determine the role of this variant in disease. Therefore, it has been classified as a Variant of Uncertain Significance.